The following is an entry in ClinVar:

ClinVar aggregate classification (germline): Uncertain significance (1 of 4 stars; one submission).

Conditions:
Andersen Tawil syndrome (LQT7). Also called: ANDERSEN CARDIODYSRHYTHMIC PERIODIC PARALYSIS; LONG QT SYNDROME 7; Potassium-sensitive periodic paralysis, ventricular ectopy, and dysmorphic features; PERIODIC PARALYSIS, POTASSIUM-SENSITIVE CARDIODYSRHYTHMIC TYPE; Andersen Syndrome. Identifiers: Orphanet 37553, MedGen C1563715, MONDO:0008222, OMIM 170390.
Short QT syndrome type 3. Identifiers: Orphanet 51083, MedGen C1865018, MONDO:0012314, OMIM 609622.

Submission:

Labcorp Genetics (formerly Invitae), Labcorp
Classification: Uncertain significance for Short QT syndrome type 3; Andersen Tawil syndrome. Last evaluated: 2022-05-25. Review status: criteria provided, single submitter. Criteria: Invitae Variant Classification Sherloc (09022015). Collection method: clinical testing. Allele origin: germline.
Comment: In summary, the available evidence is currently insufficient to determine the role of this variant in disease. Therefore, it has been classified as a Variant of Uncertain Significance. Algorithms developed to predict the effect of missense changes on protein structure and function are either unavailable or do not agree on the potential impact of this missense change (SIFT: "Tolerated"; PolyPhen-2: "Probably Damaging"; Align-GVGD: "Class C0"). This variant has not been reported in the literature in individuals affected with KCNJ2-related conditions. This variant is not present in population databases (gnomAD no frequency). This sequence change replaces methionine, which is neutral and non-polar, with isoleucine, which is neutral and non-polar, at codon 211 of the KCNJ2 protein (p.Met211Ile).

NM_000891.3(KCNJ2):c.633G>A (p.Met211Ile)

Gene: KCNJ2 (potassium inwardly rectifying channel subfamily J member 2; plus strand). Cytogenetic location: 17q24.3.
Variant type: single nucleotide variant.
Coding change: c.633G>A on transcript NM_000891.3 (MANE Select); coding-DNA position 633, G replaced by A.
Protein change: p.Met211Ile; replaces methionine 211 with isoleucine.
Molecular consequence: missense variant.
Genome position (GRCh38, 1-based): chr17:70,175,672, G>A. VCF-style: chr17-70175672-G-A. GRCh37 (hg19) VCF-style: chr17-68171813-G-A.
Other names: short protein forms M211I.
Identifiers: ClinVar variation 2024801 (VCV002024801.4), dbSNP rs2509921280, ClinGen allele CA400861381.
Genomic context (GRCh38, chr17:70,175,672, plus strand): 5'-GACTCTTGTCTTCAGTCACAATGCCGTGATTGCCATGAGAGACGGCAAGCTGTGTTTGAT[G>A]TGGCGAGTGGGCAATCTTCGGAAAAGCCACTTGGTGGAAGCTCATGTTCGAGCACAGCTC-3'
Protein context (NP_000882.1, residues 201-221): IAMRDGKLCL[Met211Ile]WRVGNLRKSH